The following is an entry in ClinVar:

ClinVar aggregate classification (germline): Uncertain significance (1 of 4 stars; one submission).

Allele frequency attached by ClinVar (database versions not stated): gnomAD exomes below 0.00001; gnomAD 0.00001; TOPMed 0.00001.
gnomAD v4.1: 6 of 1,613,870 alleles (0.00037%); highest among the groups gnomAD compares: Non-Finnish European, 0.00051%; no homozygotes.

Submission:

Labcorp Genetics (formerly Invitae), Labcorp
Classification: Uncertain significance. Last evaluated: 2025-07-09. Review status: criteria provided, single submitter. Criteria: Invitae Variant Classification Sherloc (09022015). Collection method: clinical testing. Allele origin: germline.
Comment: This sequence change replaces tyrosine, which is neutral and polar, with histidine, which is basic and polar, at codon 1158 of the ARHGAP31 protein (p.Tyr1158His). This variant is present in population databases (no rsID available, gnomAD 0.0009%). This variant has not been reported in the literature in individuals affected with ARHGAP31-related conditions. ClinVar contains an entry for this variant (Variation ID: 1920519). An algorithm developed to predict the effect of missense changes on protein structure and function outputs the following: PolyPhen-2: "Benign". The histidine amino acid residue is found in multiple mammalian species, which suggests that this missense change does not adversely affect protein function. In summary, the available evidence is currently insufficient to determine the role of this variant in disease. Therefore, it has been classified as a Variant of Uncertain Significance.

NM_020754.4(ARHGAP31):c.3472T>C (p.Tyr1158His)

Gene: ARHGAP31 (Rho GTPase activating protein 31; plus strand). Cytogenetic location: 3q13.33.
Variant type: single nucleotide variant.
Coding change: c.3472T>C on transcript NM_020754.4 (MANE Select); coding-DNA position 3472, T replaced by C.
Protein change: p.Tyr1158His; replaces tyrosine 1158 with histidine.
Molecular consequence: missense variant.
Genome position (GRCh38, 1-based): chr3:119,415,401, T>C. VCF-style: chr3-119415401-T-C. GRCh37 (hg19) VCF-style: chr3-119134248-T-C.
Other names: short protein forms Y1158H.
Identifiers: ClinVar variation 1920519 (VCV001920519.5), dbSNP rs1202982304, ClinGen allele CA354058878.